The following is an entry in ClinVar:

ClinVar aggregate classification (germline): Likely benign (1 of 4 stars; one submission).

Conditions:
DENND4B-related disorder. Also called: DENND4B-related condition.

gnomAD v4.1: 170 of 1,613,268 alleles (0.011%); highest among the groups gnomAD compares: African/African-American, 0.027%; 1 homozygote.

Submission:

PreventionGenetics, part of Exact Sciences
Classification: Likely benign for DENND4B-related condition. Last evaluated: 2025-09-21. Review status: criteria provided, single submitter. Criteria: ACMG Guidelines, 2015. Collection method: clinical testing. Allele origin: germline.
Comment: This variant is classified as likely benign based on ACMG/AMP sequence variant interpretation guidelines (Richards et al. 2015 PMID: 25741868, with internal and published modifications).

NM_014856.3(DENND4B):c.3987G>A (p.Ser1329=)

Gene: DENND4B (DENN domain containing 4B; minus strand). Cytogenetic location: 1q21.3.
Variant type: single nucleotide variant.
Coding change: c.3987G>A on transcript NM_014856.3 (MANE Select); coding-DNA position 3987, G replaced by A.
Protein change: p.Ser1329=; no amino-acid change (serine 1329 retained).
Molecular consequence: synonymous variant.
Genome position (GRCh38, 1-based): chr1:153,932,213, C>T on the plus strand (G>A on the coding strand, the complement: DENND4B is on the minus strand). VCF-style: chr1-153932213-C-T. GRCh37 (hg19) VCF-style: chr1-153904689-C-T.
Other names: c.4020G>A, p.Ser1340= (NM_001367466.1).
Identifiers: ClinVar variation 4984401 (VCV004984401.1).